The following is an entry in ClinVar:

NM_015585.4(CFAP61):c.1146G>C (p.Arg382Ser)

Gene: CFAP61 (cilia and flagella associated protein 61; plus strand). Cytogenetic location: 20p11.23.
Variant type: single nucleotide variant.
Coding change: c.1146G>C on transcript NM_015585.4 (MANE Select); coding-DNA position 1146, G replaced by C.
Protein change: p.Arg382Ser; replaces arginine 382 with serine.
Molecular consequence: missense variant.
Genome position (GRCh38, 1-based): chr20:20,164,169, G>C. VCF-style: chr20-20164169-G-C. GRCh37 (hg19) VCF-style: chr20-20144813-G-C.
Other names: c.1146G>C, p.Arg382Ser (NM_001167816.1); short protein forms R382S.
Identifiers: ClinVar variation 2652231 (VCV002652231.24), dbSNP rs116315783, ClinGen allele CA9781768.

ClinVar aggregate classification (germline): Likely benign (1 of 4 stars; one submission).

Allele frequency attached by ClinVar (database versions not stated): ESP Exome Variant Server 0.00223; ExAC 0.00277; TOPMed 0.00289; 1000 Genomes Project 30x 0.00062; 1000 Genomes Project 0.00080; gnomAD 0.00210.
gnomAD v4.1: 4,804 of 1,614,040 alleles (0.3%); highest among the groups gnomAD compares: Middle Eastern, 0.97%; 17 homozygotes.

Submission:

CeGaT Center for Human Genetics Tuebingen
Classification: Likely benign. Last evaluated: 2024-02-01. Review status: criteria provided, single submitter. Criteria: CeGaT Center For Human Genetics Tuebingen Variant Classification Criteria Version 2. Collection method: clinical testing. Allele origin: germline. Affected: yes. Observed: 2 variant alleles.
Comment: CFAP61: BP4